The following is an entry in ClinVar:

ClinVar aggregate classification (germline): Pathogenic (1 of 4 stars; one submission).

Conditions:
GNPTAB-mucolipidosis. Also called: UDP-N-acetylglucosamine-1-phosphotransferase subunit alpha/beta deficiency. Identifiers: MedGen CN322573, MONDO:0100122.

Submission:

Myriad Genetics, Inc.
Classification: Pathogenic for GNPTAB-mucolipidosis. Last evaluated: 2025-05-24. Review status: criteria provided, single submitter. Criteria: Myriad Autosomal Dominant, Autosomal Recessive and X-Linked Classification Criteria (2023). Collection method: clinical testing. Allele origin: unknown.
Comment: NM_024312.4(GNPTAB):c.871delG(D291Mfs*5) is expected to be pathogenic in the context of GNPTAB-related disorders. This variant is predicted to lead to an abnormal or absent protein product due to the creation of a premature termination codon in GNPTAB, a gene where loss-of-function variants are known to be pathogenic. Please note: this variant was assessed in the context of healthy population screening.

NM_024312.5(GNPTAB):c.871del (p.Asp291fs)

Gene: GNPTAB (N-acetylglucosamine-1-phosphate transferase subunits alpha and beta; minus strand). Cytogenetic location: 12q23.2.
Variant type: Deletion.
Coding change: c.871del on transcript NM_024312.5 (MANE Select); coding-DNA position 871, one base deleted (G; older notation c.871delG).
Protein change: p.Asp291fs; shifts the reading frame from aspartic acid 291.
Molecular consequence: frameshift variant.
Genome position (GRCh38, 1-based): chr12:101,771,058, C deleted on the plus strand (G on the coding strand, the reverse complement: GNPTAB is on the minus strand). VCF-style (leftmost placement, unchanged base first): chr12-101771057-TC-T. GRCh37 (hg19) VCF-style: chr12-102164835-TC-T.
Other names: short protein forms D291fs.
Identifiers: ClinVar variation 5014509 (VCV005014509.1).